The following is an entry in ClinVar:

NM_006659.4(TUBGCP2):c.2280C>T (p.Asn760=)

Gene: TUBGCP2 (tubulin gamma complex component 2; minus strand). Cytogenetic location: 10q26.3.
Variant type: single nucleotide variant.
Coding change: c.2280C>T on transcript NM_006659.4 (MANE Select); coding-DNA position 2280, C replaced by T.
Protein change: p.Asn760=; no amino-acid change (asparagine 760 retained).
Molecular consequence: synonymous variant. On other transcripts: non-coding transcript variant (1).
Genome position (GRCh38, 1-based): chr10:133,283,087, G>A on the plus strand (C>T on the coding strand, the complement: TUBGCP2 is on the minus strand). VCF-style: chr10-133283087-G-A. GRCh37 (hg19) VCF-style: chr10-135096591-G-A.
Other names: c.2364C>T (NM_001256617.1); c.2364C>T, p.Asn788= (NM_001256617.2); c.1890C>T, p.Asn630= (NM_001256618.2).
Identifiers: ClinVar variation 2641009 (VCV002641009.25), dbSNP rs141749772, ClinGen allele CA5763592.

ClinVar aggregate classification (germline): Benign. Review status: criteria provided, single submitter (1 of 4 stars). 2 submissions from 2 submitters: Benign (1). 1 of the submissions does not count toward it. Last evaluated 2022-06-01.

Conditions:
TUBGCP2-related disorder. Also called: TUBGCP2-related condition.

Allele frequency attached by ClinVar (database versions not stated): gnomAD exomes 0.00033; ExAC 0.00071; gnomAD 0.00124; ESP Exome Variant Server 0.00131; TOPMed 0.00155; 1000 Genomes Project 0.00180; 1000 Genomes Project 30x 0.00234.
gnomAD v4.1: 707 of 1,614,232 alleles (0.044%); highest among the groups gnomAD compares: African/African-American, 0.31%; 4 homozygotes.

Submissions (2):

CeGaT Center for Human Genetics Tuebingen
Classification: Benign. Last evaluated: 2022-06-01. Review status: criteria provided, single submitter. Criteria: CeGaT Center For Human Genetics Tuebingen Variant Classification Criteria Version 2. Collection method: clinical testing. Allele origin: germline. Affected: yes. Observed: 1 variant allele.
Comment: TUBGCP2: BP4, BS1, BS2

PreventionGenetics, part of Exact Sciences
Classification: Likely benign for TUBGCP2-related condition. Last evaluated: 2021-12-01. Review status: no assertion criteria provided. Collection method: clinical testing. Allele origin: germline. Not counted in ClinVar's aggregate classification.
Comment: This variant is classified as likely benign based on ACMG/AMP sequence variant interpretation guidelines (Richards et al. 2015 PMID: 25741868, with internal and published modifications).